The following is an entry in ClinVar:

NM_001017962.3(P4HA1):c.1530A>G (p.Lys510=)

Gene: P4HA1 (prolyl 4-hydroxylase subunit alpha 1; minus strand). Cytogenetic location: 10q22.1.
Variant type: single nucleotide variant.
Coding change: c.1530A>G on transcript NM_001017962.3 (MANE Select); coding-DNA position 1530, A replaced by G.
Protein change: p.Lys510=; no amino-acid change (lysine 510 retained).
Molecular consequence: synonymous variant.
Genome position (GRCh38, 1-based): chr10:73,009,811, T>C on the plus strand (A>G on the coding strand, the complement: P4HA1 is on the minus strand). VCF-style: chr10-73009811-T-C. GRCh37 (hg19) VCF-style: chr10-74769569-T-C.
Other names: c.1530A>G, p.Lys510= (NM_000917.4, NM_001142595.2); c.1476A>G, p.Lys492= (NM_001142596.2).
Identifiers: ClinVar variation 3031005 (VCV003031005.2), dbSNP rs377262769, ClinGen allele CA209561509.
Genomic context (GRCh38, chr10:73,009,811, plus strand): 5'-TTCCAAAATAAGAAACAAAAATTACATTATCTTCGCAGAATATATGAAATATTTACCCCA[T>C]TTGTTGCCAACTAGCACTGGACAGGCTGCATGCCGTGTACTATAATCTCCTTCTCCACTG-3'
Protein context (NP_001017962.1, residues 500-520): HAACPVLVGN[Lys510=]WVSNKWLHER

ClinVar aggregate classification (germline): Likely benign (0 of 4 stars; one submission).

Conditions:
P4HA1-related disorder. Also called: P4HA1-related condition.

Allele frequency attached by ClinVar (database versions not stated): gnomAD exomes 0.00002; gnomAD 0.00003; TOPMed 0.00003; ESP Exome Variant Server 0.00008.
gnomAD v4.1: 27 of 1,555,058 alleles (0.0017%); highest among the groups gnomAD compares: African/African-American, 0.0041%; no homozygotes.

Submission:

PreventionGenetics, part of Exact Sciences
Classification: Likely benign for P4HA1-related condition. Last evaluated: 2023-12-20. Review status: no assertion criteria provided. Collection method: clinical testing. Allele origin: germline.
Comment: This variant is classified as likely benign based on ACMG/AMP sequence variant interpretation guidelines (Richards et al. 2015 PMID: 25741868, with internal and published modifications).